The following is an entry in ClinVar:

ClinVar aggregate classification (germline): Uncertain significance (1 of 4 stars; one submission).

Conditions:
Cataract 38. Also called: Cataract, autosomal recessive congenital 5; Cataract 38, autosomal recessive. Identifiers: Orphanet 91492, MedGen C3553494, MONDO:0013859, OMIM 614691.
Sengers syndrome. Also called: MITOCHONDRIAL DNA DEPLETION SYNDROME 10 (CARDIOMYOPATHIC TYPE); Cardiomyopathy and cataract. Identifiers: Orphanet 1369, MedGen C1859317, MONDO:0008922, OMIM 212350.

Allele frequency attached by ClinVar (database versions not stated): gnomAD 0.00004; gnomAD exomes 0.00004; TOPMed 0.00007; ExAC 0.00011; 1000 Genomes Project 30x 0.00031; 1000 Genomes Project 0.00040.
gnomAD v4.1: 56 of 1,613,976 alleles (0.0035%); highest among the groups gnomAD compares: East Asian, 0.1%; no homozygotes.

Submission:

Labcorp Genetics (formerly Invitae), Labcorp
Classification: Uncertain significance for Sengers syndrome; Cataract 38. Last evaluated: 2022-05-27. Review status: criteria provided, single submitter. Criteria: Invitae Variant Classification Sherloc (09022015). Collection method: clinical testing. Allele origin: germline.
Comment: This sequence change replaces phenylalanine, which is neutral and non-polar, with valine, which is neutral and non-polar, at codon 49 of the AGK protein (p.Phe49Val). This variant is present in population databases (rs568689004, gnomAD 0.1%). This variant has not been reported in the literature in individuals affected with AGK-related conditions. Algorithms developed to predict the effect of missense changes on protein structure and function are either unavailable or do not agree on the potential impact of this missense change (SIFT: "Tolerated"; PolyPhen-2: "Possibly Damaging"; Align-GVGD: "Class C0"). In summary, the available evidence is currently insufficient to determine the role of this variant in disease. Therefore, it has been classified as a Variant of Uncertain Significance.

NM_018238.4(AGK):c.145T>G (p.Phe49Val)

Gene: AGK (acylglycerol kinase; plus strand). Cytogenetic location: 7q34.
Variant type: single nucleotide variant.
Coding change: c.145T>G on transcript NM_018238.4 (MANE Select); coding-DNA position 145, T replaced by G.
Protein change: p.Phe49Val; replaces phenylalanine 49 with valine.
Molecular consequence: missense variant.
Genome position (GRCh38, 1-based): chr7:141,596,565, T>G. VCF-style: chr7-141596565-T-G. GRCh37 (hg19) VCF-style: chr7-141296365-T-G.
Other names: c.145T>G, p.Phe49Val (NM_001364948.3); short protein forms F49V.
Identifiers: ClinVar variation 1973711 (VCV001973711.2), dbSNP rs568689004, ClinGen allele CA4517337.
Genomic context (GRCh38, chr7:141,596,565, plus strand): 5'-GTGACATTTACCAAATAAATGGACTTTTACTGAAAACTTTGCTCTTTTCTTTTTTAGGTG[T>G]TTGGCAATCAACTCATTCCTCCCAATGCACAAGTGAAGAAGGCCACTGTTTTTCTCAATC-3'
Protein context (NP_060708.1, residues 39-59): RRAACQEAQV[Phe49Val]GNQLIPPNAQ